The following is an entry in ClinVar:

ClinVar aggregate classification (germline): Uncertain significance. Review status: criteria provided, multiple submitters, no conflicts (2 of 4 stars). 3 submissions from 3 submitters: Uncertain significance (3). Last evaluated 2025-09-08.

Conditions:
Dyskeratosis congenita, autosomal dominant 2. Identifiers: MedGen C3151443, MONDO:0013521, OMIM 613989.
Idiopathic Pulmonary Fibrosis. Also called: Idiopathic fibrosing alveolitis, chronic form; idiopathic fibrosing alveolitis. Identifiers: Orphanet 2032, MedGen C1800706, MeSH D054990, MONDO:0800504.
Dyskeratosis congenita. Identifiers: Orphanet 1775, MedGen C0265965, MONDO:0015780.

gnomAD v4.1: 5 of 1,614,166 alleles (0.00031%); highest among the groups gnomAD compares: Non-Finnish European, 0.00042%; no homozygotes.

Submissions (3):

Ambry Genetics
Classification: Uncertain significance for Dyskeratosis congenita. Last evaluated: 2025-09-08. Review status: criteria provided, single submitter. Criteria: Ambry Variant Classification Scheme 2023. Collection method: clinical testing. Allele origin: germline.
Comment: The p.M549I variant (also known as c.1647G>A), located in coding exon 3 of the TERT gene, results from a G to A substitution at nucleotide position 1647. The methionine at codon 549 is replaced by isoleucine, an amino acid with highly similar properties. This amino acid position is conserved. In addition, the in silico prediction for this alteration is inconclusive. Since supporting evidence is limited at this time, the clinical significance of this alteration remains unclear.

Labcorp Genetics (formerly Invitae), Labcorp
Classification: Uncertain significance for Dyskeratosis congenita, autosomal dominant 2; Idiopathic Pulmonary Fibrosis. Last evaluated: 2024-02-07. Review status: criteria provided, single submitter. Criteria: Invitae Variant Classification Sherloc (09022015). Collection method: clinical testing. Allele origin: germline.
Comment: This sequence change replaces methionine, which is neutral and non-polar, with isoleucine, which is neutral and non-polar, at codon 549 of the TERT protein (p.Met549Ile). This variant is not present in population databases (gnomAD no frequency). This variant has not been reported in the literature in individuals affected with TERT-related conditions. ClinVar contains an entry for this variant (Variation ID: 539195). Advanced modeling of protein sequence and biophysical properties (such as structural, functional, and spatial information, amino acid conservation, physicochemical variation, residue mobility, and thermodynamic stability) performed at Invitae indicates that this missense variant is expected to disrupt TERT protein function with a positive predictive value of 95%. In summary, the available evidence is currently insufficient to determine the role of this variant in disease. Therefore, it has been classified as a Variant of Uncertain Significance.

Blueprint Genetics
Classification: Uncertain significance. Last evaluated: 2019-10-09. Review status: criteria provided, single submitter. Criteria: ACMG Guidelines, 2015. Collection method: clinical testing. Allele origin: germline.

NM_198253.3(TERT):c.1647G>A (p.Met549Ile)

Gene: TERT (telomerase reverse transcriptase; minus strand). Cytogenetic location: 5p15.33.
Variant type: single nucleotide variant.
Coding change: c.1647G>A on transcript NM_198253.3 (MANE Select); coding-DNA position 1647, G replaced by A.
Protein change: p.Met549Ile; replaces methionine 549 with isoleucine.
Molecular consequence: missense variant. On other transcripts: non-coding transcript variant (2).
Genome position (GRCh38, 1-based): chr5:1,282,551, C>T on the plus strand (G>A on the coding strand, the complement: TERT is on the minus strand). VCF-style: chr5-1282551-C-T. GRCh37 (hg19) VCF-style: chr5-1282666-C-T.
Other names: c.1647G>A, p.Met549Ile (NM_001193376.3); short protein forms M549I.
Identifiers: ClinVar variation 539195 (VCV000539195.12), dbSNP rs1554041316, ClinGen allele CA359083244.
Genomic context (GRCh38, chr5:1,282,551, plus strand): 5'-TTGAAACGTGGTCTCCGTGACATAAAAGAAAGACCTGAGCAGCTCGACGACGTACACACT[C>T]ATCAGCCAGTGCAGGAACTTGGCCAGGATCTCCTCACGCAGACGGTGCTCTGCGGCCGGA-3'
Protein context (NP_937983.2, residues 539-559): EILAKFLHWL[Met549Ile]SVYVVELLRS